The following is an entry in ClinVar:

ClinVar aggregate classification (germline): Uncertain significance. Review status: criteria provided, multiple submitters, no conflicts (2 of 4 stars). 3 submissions from 3 submitters: Uncertain significance (3). Last evaluated 2025-08-07.

Conditions:
Inborn genetic diseases. Identifiers: MedGen C0950123, MeSH D030342.
Familial infantile myasthenia (CMS6). Also called: MYASTHENIC SYNDROME, PRESYNAPTIC, CONGENITAL, ASSOCIATED WITH EPISODIC APNEA; Congenital myasthenic syndrome type 6; MYASTHENIC SYNDROME, CONGENITAL, 6, PRESYNAPTIC. Identifiers: Orphanet 590, MedGen C0393929, MONDO:0009689, OMIM 254210.

Allele frequency attached by ClinVar (database versions not stated): gnomAD exomes 0.00001 and 0.00002; TOPMed 0.00001; ExAC 0.00004.
gnomAD v4.1: 14 of 1,613,926 alleles (0.00087%); highest among the groups gnomAD compares: Non-Finnish European, 0.001%; no homozygotes.

Submissions (3):

Ambry Genetics
Classification: Uncertain significance for Inborn genetic diseases. Last evaluated: 2025-08-07. Review status: criteria provided, single submitter. Criteria: Ambry Variant Classification Scheme 2023. Collection method: clinical testing. Allele origin: germline.

Blueprint Genetics
Classification: Uncertain significance. Last evaluated: 2024-06-07. Review status: criteria provided, single submitter. Criteria: ACMG Guidelines, 2015. Collection method: clinical testing. Allele origin: germline.

Labcorp Genetics (formerly Invitae), Labcorp
Classification: Uncertain significance for Familial infantile myasthenia. Last evaluated: 2019-11-26. Review status: criteria provided, single submitter. Criteria: Invitae Variant Classification Sherloc (09022015). Collection method: clinical testing. Allele origin: germline.
Comment: This sequence change replaces tyrosine with cysteine at codon 554 of the CHAT protein (p.Tyr554Cys). The tyrosine residue is highly conserved and there is a large physicochemical difference between tyrosine and cysteine. This variant is present in population databases (rs778572568, ExAC 0.008%). This variant has not been reported in the literature in individuals with CHAT-related conditions. Algorithms developed to predict the effect of missense changes on protein structure and function (SIFT, PolyPhen-2, Align-GVGD) all suggest that this variant is likely to be disruptive, but these predictions have not been confirmed by published functional studies and their clinical significance is uncertain. In summary, the available evidence is currently insufficient to determine the role of this variant in disease. Therefore, it has been classified as a Variant of Uncertain Significance.

NM_020549.5(CHAT):c.1661A>G (p.Tyr554Cys)

Gene: CHAT (choline O-acetyltransferase; plus strand). Cytogenetic location: 10q11.23.
Variant type: single nucleotide variant.
Coding change: c.1661A>G on transcript NM_020549.5 (MANE Select); coding-DNA position 1661, A replaced by G.
Protein change: p.Tyr554Cys; replaces tyrosine 554 with cysteine.
Molecular consequence: missense variant.
Genome position (GRCh38, 1-based): chr10:49,655,121, A>G. VCF-style: chr10-49655121-A-G. GRCh37 (hg19) VCF-style: chr10-50863167-A-G.
Other names: c.1307A>G, p.Tyr436Cys (NM_001142929.2, NM_001142934.2, NM_020984.4 and 2 more transcripts); c.1415A>G, p.Tyr472Cys (NM_001142933.2); short protein forms Y436C, Y554C, Y472C.
Identifiers: ClinVar variation 852852 (VCV000852852.3), dbSNP rs778572568, ClinGen allele CA5497587.